The following is an entry in ClinVar:

ClinVar aggregate classification (germline): Conflicting classifications of pathogenicity. Review status: criteria provided, conflicting classifications (1 of 4 stars). 7 submissions from 7 submitters: Likely pathogenic (3); Uncertain significance (3). 1 of the submissions does not count toward it. Last evaluated 2026-08-06.

Conditions:
Deficiency of galactokinase. Also called: GALACTOSEMIA II; Galactokinase deficiency with cataracts. Identifiers: Orphanet 352, Orphanet 79237, MedGen C0268155, MONDO:0009255, OMIM 230200.

Allele frequency attached by ClinVar (database versions not stated): ExAC below 0.00001; gnomAD exomes 0.00001 and 0.00002; gnomAD 0.00002; TOPMed 0.00003.
gnomAD v4.1: 14 of 1,591,570 alleles (0.00088%); highest among the groups gnomAD compares: Admixed American, 0.0052%; no homozygotes.

Submissions (7):

OLLIN Analises Genomicas, OLLIN
Classification: Uncertain significance. Last evaluated: 2026-08-06. Review status: criteria provided, single submitter. Criteria: ACMG Guidelines 2015 PMID 25741868. Collection method: clinical testing. Allele origin: germline.
Comment: This missense variant, located in exon 6 (of 8), has been reported in ClinVar (accession VCV000198048.13) and in gnomAD with an allele frequency of 0.00088%. However, to our knowledge, it has not been reported in the scientific literature. In silico analysis predicts that this variant has a deleterious effect. According to the currently available evidence, this variant has been classified as uncertain significance (PM2_P, PP3_M).

Natera, Inc.
Classification: Likely pathogenic for Deficiency of galactokinase. Last evaluated: 2026-01-22. Review status: criteria provided, single submitter. Criteria: Natera Variant Classification Schema (03/2026). Collection method: clinical testing. Allele origin: germline.
Comment: The c.863C>T variant in GALK1 is a missense variant predicted to cause substitution of threonine to methionine at amino acid 288. This variant is rare in the general population with a frequency below the threshold expected for the associated phenotype(s). This variant has been observed in one or more individuals affected with the associated recessive disease, as either homozygous or compound heterozygous with a second variant (PMID: 11139256). This variant has been identified in one or more affected individual with a phenotype highly consistent with the associated gene (PMID: 11139256). Computational prediction algorithms indicate this variant is likely to affect gene or protein function. Given the available evidence, this variant is classified as Likely Pathogenic.

Fulgent Genetics
Classification: Likely pathogenic for Deficiency of galactokinase. Last evaluated: 2024-02-21. Review status: criteria provided, single submitter. Criteria: ACMG Guidelines, 2015. Collection method: clinical testing. Allele origin: germline.

Revvity Omics, Revvity
Classification: Uncertain significance for Deficiency of galactokinase. Last evaluated: 2022-01-10. Review status: criteria provided, single submitter. Criteria: ACMG Guidelines, 2015. Collection method: clinical testing. Allele origin: germline.

Mendelics
Classification: Likely pathogenic for Deficiency of galactokinase. Last evaluated: 2019-05-28. Review status: criteria provided, single submitter. Criteria: Mendelics Assertion Criteria 2017. Collection method: clinical testing. Allele origin: unknown.

Eurofins Ntd Llc (ga)
Classification: Uncertain significance. Last evaluated: 2015-02-25. Review status: criteria provided, single submitter. Criteria: EGL Classification Definitions 2015. Collection method: clinical testing. Allele origin: germline. Observed: 1 variant allele, 1 heterozygote.

Counsyl
Classification: Uncertain significance for Deficiency of galactokinase. Last evaluated: 2017-11-26. Review status: no assertion criteria provided. Collection method: clinical testing. Allele origin: unknown. Not counted in ClinVar's aggregate classification.

Literature cited by the submitters: PubMed 11139256 (cited by Natera, Inc. and Counsyl); PubMed 21264483 (cited by Counsyl); PubMed 12694189 (cited by Counsyl).

NM_000154.2(GALK1):c.863C>T (p.Thr288Met)

Gene: GALK1 (galactokinase 1; minus strand). Cytogenetic location: 17q25.1.
Variant type: single nucleotide variant.
Coding change: c.863C>T on transcript NM_000154.2 (MANE Select); coding-DNA position 863, C replaced by T.
Protein change: p.Thr288Met; replaces threonine 288 with methionine.
Molecular consequence: missense variant.
Genome position (GRCh38, 1-based): chr17:75,758,530, G>A on the plus strand (C>T on the coding strand, the complement: GALK1 is on the minus strand). VCF-style: chr17-75758530-G-A. GRCh37 (hg19) VCF-style: chr17-73754611-G-A.
Other names: short protein forms T288M.
Identifiers: ClinVar variation 198048 (VCV000198048.14), dbSNP rs759284637, ClinGen allele CA246538.